The following is an entry in ClinVar:

NM_005751.5(AKAP9):c.8510C>G (p.Ala2837Gly)

Gene: AKAP9 (A-kinase anchoring protein 9; plus strand). Cytogenetic location: 7q21.2.
Variant type: single nucleotide variant.
Coding change: c.8510C>G on transcript NM_005751.5 (MANE Select); coding-DNA position 8510, C replaced by G.
Protein change: p.Ala2837Gly; replaces alanine 2837 with glycine.
Molecular consequence: missense variant.
Genome position (GRCh38, 1-based): chr7:92,083,519, C>G. VCF-style: chr7-92083519-C-G. GRCh37 (hg19) VCF-style: chr7-91712833-C-G.
Other names: c.3155C>G, p.Ala1052Gly (NM_001379277.1); c.8486C>G, p.Ala2829Gly (NM_147185.3); short protein forms A2829G, A2837G, A1052G.
Identifiers: ClinVar variation 2895149 (VCV002895149.4), dbSNP rs2535259095, ClinGen allele CA368139392.

ClinVar aggregate classification (germline): Uncertain significance. Review status: criteria provided, multiple submitters, no conflicts (2 of 4 stars). 2 submissions from 2 submitters: Uncertain significance (2). Last evaluated 2025-06-19.

Conditions:
Cardiovascular phenotype. Identifiers: MedGen CN230736.
Long QT syndrome (LQTS). Identifiers: MedGen C0023976, MeSH D008133, MONDO:0002442. Disease mechanism: loss of function. Inheritance: Various modes of inheritance.

Allele frequency attached by ClinVar (database versions not stated): gnomAD exomes below 0.00001.
gnomAD v4.1: 1 of 1,605,424 alleles (0.000062%); highest among the groups gnomAD compares: Non-Finnish European, 0.000085%; no homozygotes.

Submissions (2):

Ambry Genetics
Classification: Uncertain significance for Cardiovascular phenotype. Last evaluated: 2025-06-19. Review status: criteria provided, single submitter. Criteria: Ambry Variant Classification Scheme 2023. Collection method: clinical testing. Allele origin: germline.

Labcorp Genetics (formerly Invitae), Labcorp
Classification: Uncertain significance for Long QT syndrome. Last evaluated: 2023-10-22. Review status: criteria provided, single submitter. Criteria: Invitae Variant Classification Sherloc (09022015). Collection method: clinical testing. Allele origin: germline.
Comment: This sequence change replaces alanine, which is neutral and non-polar, with glycine, which is neutral and non-polar, at codon 2837 of the AKAP9 protein (p.Ala2837Gly). This variant is not present in population databases (gnomAD no frequency). This variant has not been reported in the literature in individuals affected with AKAP9-related conditions. An algorithm developed to predict the effect of missense changes on protein structure and function (PolyPhen-2) suggests that this variant is likely to be disruptive. In summary, the available evidence is currently insufficient to determine the role of this variant in disease. Therefore, it has been classified as a Variant of Uncertain Significance.